The following is an entry in ClinVar:

ClinVar aggregate classification (germline): Uncertain significance. Review status: criteria provided, multiple submitters, no conflicts (2 of 4 stars). 4 submissions from 4 submitters: Uncertain significance (3). 1 of the submissions does not count toward it. Last evaluated 2023-04-11.

Conditions:
Glycogen storage disease type III (GSD3). Also called: FORBES DISEASE; Cori disease. Identifiers: Orphanet 366, MedGen C0017922, MONDO:0009291, OMIM 232400.

Allele frequency attached by ClinVar (database versions not stated): gnomAD exomes 0.00001 and 0.00003; ExAC 0.00002; gnomAD 0.00007; ESP Exome Variant Server 0.00008; TOPMed 0.00009; 1000 Genomes Project 30x 0.00031; 1000 Genomes Project 0.00040.
gnomAD v4.1: 29 of 1,614,012 alleles (0.0018%); highest among the groups gnomAD compares: African/African-American, 0.027%; no homozygotes.

Submissions (4):

Genome-Nilou Lab
Classification: Uncertain significance for Glycogen storage disease type III. Last evaluated: 2023-04-11. Review status: criteria provided, single submitter. Criteria: ACMG Guidelines, 2015. Collection method: clinical testing. Allele origin: germline. Affected: no.

Labcorp Genetics (formerly Invitae), Labcorp
Classification: Uncertain significance for Glycogen storage disease type III. Last evaluated: 2022-08-06. Review status: criteria provided, single submitter. Criteria: Invitae Variant Classification Sherloc (09022015). Collection method: clinical testing. Allele origin: germline.
Comment: This sequence change replaces arginine, which is basic and polar, with cysteine, which is neutral and slightly polar, at codon 494 of the AGL protein (p.Arg494Cys). This variant is present in population databases (rs199660743, gnomAD 0.02%). This variant has not been reported in the literature in individuals affected with AGL-related conditions. ClinVar contains an entry for this variant (Variation ID: 456454). Algorithms developed to predict the effect of missense changes on protein structure and function are either unavailable or do not agree on the potential impact of this missense change (SIFT: "Deleterious"; PolyPhen-2: "Probably Damaging"; Align-GVGD: "Class C0"). In summary, the available evidence is currently insufficient to determine the role of this variant in disease. Therefore, it has been classified as a Variant of Uncertain Significance.

Fulgent Genetics
Classification: Uncertain significance for Glycogen storage disease type III. Last evaluated: 2022-03-17. Review status: criteria provided, single submitter. Criteria: ACMG Guidelines, 2015. Collection method: clinical testing. Allele origin: unknown.

Natera, Inc.
Classification: Uncertain significance for Glycogen storage disease type III. Last evaluated: 2019-10-28. Review status: no assertion criteria provided. Collection method: clinical testing. Allele origin: germline. Not counted in ClinVar's aggregate classification.

NM_000642.3(AGL):c.1480C>T (p.Arg494Cys)

Gene: AGL (amylo-alpha-1,6-glucosidase and 4-alpha-glucanotransferase; plus strand). Cytogenetic location: 1p21.2.
Variant type: single nucleotide variant.
Coding change: c.1480C>T on transcript NM_000642.3 (MANE Select); coding-DNA position 1480, C replaced by T.
Protein change: p.Arg494Cys; replaces arginine 494 with cysteine.
Molecular consequence: missense variant.
Genome position (GRCh38, 1-based): chr1:99,877,697, C>T. VCF-style: chr1-99877697-C-T. GRCh37 (hg19) VCF-style: chr1-100343253-C-T.
Other names: c.1480C>T, p.Arg494Cys (NM_000028.3, NM_000643.3, NM_000644.3 and 2 more transcripts); c.1432C>T, p.Arg478Cys (NM_000646.3); c.1279C>T, p.Arg427Cys (NM_001425327.1); c.1276C>T, p.Arg426Cys (NM_001425328.1, NM_001425329.1); c.1102C>T, p.Arg368Cys (NM_001425332.1); short protein forms R494C, R478C, R368C, R426C, R427C.
Identifiers: ClinVar variation 456454 (VCV000456454.9), dbSNP rs199660743, ClinGen allele CA966508.